The following is an entry in ClinVar:

NM_177972.3(TUB):c.1270G>A (p.Glu424Lys)

Genes: RIC3 (RIC3 acetylcholine receptor chaperone; minus strand), TUB (TUB bipartite transcription factor; plus strand). Cytogenetic location: 11p15.4.
Variant type: single nucleotide variant.
Coding change: c.1270G>A on transcript NM_177972.3 (MANE Select); coding-DNA position 1270, G replaced by A.
Protein change: p.Glu424Lys; replaces glutamic acid 424 with lysine.
Molecular consequence: missense variant.
Genome position (GRCh38, 1-based): chr11:8,100,880, G>A. VCF-style: chr11-8100880-G-A. GRCh37 (hg19) VCF-style: chr11-8122427-G-A.
Other names: c.1435G>A, p.Glu479Lys (NM_003320.5); short protein forms E479K, E424K.
Identifiers: ClinVar variation 954012 (VCV000954012.14), dbSNP rs370188104, ClinGen allele CA5871459.

ClinVar aggregate classification (germline): Conflicting classifications of pathogenicity. Review status: criteria provided, conflicting classifications (1 of 4 stars). 6 submissions from 6 submitters: Uncertain significance (4); Likely benign (1). 1 of the submissions does not count toward it. Last evaluated 2026-04-08.

Conditions:
TUB-related disorder. Also called: TUB-related condition.
Retinal dystrophy and obesity (RDOB). Identifiers: Orphanet 791, MedGen C4015424, MONDO:0014522, OMIM 616188.
Retinal dystrophy. Also called: Inherited retinal dystrophy. Identifiers: Orphanet 71862, MedGen C0854723, MeSH D058499, MONDO:0019118, HP:0000556.

Allele frequency attached by ClinVar (database versions not stated): ESP Exome Variant Server 0.00008; TOPMed 0.00011; ExAC 0.00013; gnomAD exomes 0.00016 and 0.00022; gnomAD 0.00017.
gnomAD v4.1: 339 of 1,614,102 alleles (0.021%); highest among the groups gnomAD compares: Middle Eastern, 0.049%; no homozygotes.

Submissions (6):

PreventionGenetics, part of Exact Sciences
Classification: Uncertain significance for TUB-related condition. Last evaluated: 2026-04-08. Review status: criteria provided, single submitter. Criteria: ACMG Guidelines, 2015. Collection method: clinical testing. Allele origin: germline.
Comment: The TUB c.1435G>A variant is predicted to result in the amino acid substitution p.Glu479Lys. This variant was previously reported as a variant of uncertain significance in a cohort of individuals with retinal degeneration (supplementary data, Zampaglione et al. 2022. PubMed ID: 34906470). This variant is reported in 0.032% of alleles in individuals of European (Finnish) descent in gnomAD. At this time, the clinical significance of this variant is uncertain due to the absence of conclusive functional and genetic evidence.

Ambry Genetics
Classification: Uncertain significance. Last evaluated: 2025-09-09. Review status: criteria provided, single submitter. Criteria: Ambry Variant Classification Scheme 2023. Collection method: clinical testing. Allele origin: germline.

Labcorp Genetics (formerly Invitae), Labcorp
Classification: Uncertain significance. Last evaluated: 2025-02-03. Review status: criteria provided, single submitter. Criteria: Invitae Variant Classification Sherloc (09022015). Collection method: clinical testing. Allele origin: germline.
Comment: This sequence change replaces glutamic acid, which is acidic and polar, with lysine, which is basic and polar, at codon 479 of the TUB protein (p.Glu479Lys). This variant is present in population databases (rs370188104, gnomAD 0.03%). This missense change has been observed in individual(s) with TUB-related conditions (PMID: 34906470). ClinVar contains an entry for this variant (Variation ID: 954012). An algorithm developed to predict the effect of missense changes on protein structure and function (PolyPhen-2) suggests that this variant is likely to be disruptive. In summary, the available evidence is currently insufficient to determine the role of this variant in disease. Therefore, it has been classified as a Variant of Uncertain Significance.

Blueprint Genetics
Classification: Likely benign. Last evaluated: 2024-11-27. Review status: criteria provided, single submitter. Criteria: ACMG Guidelines, 2015. Collection method: clinical testing. Allele origin: germline.

Ocular Genomics Institute, Massachusetts Eye and Ear
Classification: Uncertain significance for Retinal dystrophy and obesity. Last evaluated: 2021-04-08. Review status: criteria provided, single submitter. Criteria: ACMG Guidelines, 2015. Collection method: research. Allele origin: germline. Affected: yes.
Comment: Through a review of available evidence we were able to apply the following criteria: PM2. Based on this evidence we have classified this variant as Variant of Uncertain Significance.

Institute of Human Genetics, Univ. Regensburg, Univ. Regensburg
Classification: Uncertain significance for Retinal dystrophy. Last evaluated: 2023-01-01. Review status: no assertion criteria provided. Criteria: ACMG Guidelines, 2015. Collection method: clinical testing. Allele origin: germline. Affected: yes. Not counted in ClinVar's aggregate classification.

Literature cited by the submitters: PubMed 34906470 (cited by Labcorp Genetics (formerly Invitae), Labcorp).